The following is an entry in ClinVar:

ClinVar aggregate classification (germline): Uncertain significance (1 of 4 stars; one submission).

Allele frequency attached by ClinVar (database versions not stated): ExAC 0.00002; gnomAD 0.00003 and 0.00004; TOPMed 0.00003; gnomAD exomes 0.00004; ESP Exome Variant Server 0.00008.
gnomAD v4.1: 57 of 1,608,704 alleles (0.0035%); highest among the groups gnomAD compares: Non-Finnish European, 0.0047%; no homozygotes.

Submission:

GeneDx
Classification: Uncertain significance. Last evaluated: 2021-05-06. Review status: criteria provided, single submitter. Criteria: GeneDx Variant Classification Process June 2021. Collection method: clinical testing. Allele origin: germline. Affected: yes.
Comment: Not observed at a significant frequency in large population cohorts (Lek et al., 2016); In silico analysis, which includes protein predictors and evolutionary conservation, supports a deleterious effect; Has not been previously published as pathogenic or benign to our knowledge

NM_001042545.2(LTBP4):c.3943G>T (p.Ala1315Ser)

Gene: LTBP4 (latent transforming growth factor beta binding protein 4; plus strand). Cytogenetic location: 19q13.2.
Variant type: single nucleotide variant.
Coding change: c.3943G>T on transcript NM_001042545.2 (MANE Select); coding-DNA position 3943, G replaced by T.
Protein change: p.Ala1315Ser; replaces alanine 1315 with serine.
Molecular consequence: missense variant.
Genome position (GRCh38, 1-based): chr19:40,625,967, G>T. VCF-style: chr19-40625967-G-T. GRCh37 (hg19) VCF-style: chr19-41131872-G-T.
Other names: c.4144G>T, p.Ala1382Ser (NM_001042544.1); c.4033G>T, p.Ala1345Ser (NM_003573.2); short protein forms A1315S, A1345S, A1382S.
Identifiers: ClinVar variation 1194011 (VCV001194011.2), dbSNP rs373876448, ClinGen allele CA9449178.